The following is an entry in ClinVar:

ClinVar aggregate classification (germline): Uncertain significance (1 of 4 stars; one submission).

Submission:

Labcorp Genetics (formerly Invitae), Labcorp
Classification: Uncertain significance. Last evaluated: 2024-10-08. Review status: criteria provided, single submitter. Criteria: Invitae Variant Classification Sherloc (09022015). Collection method: clinical testing. Allele origin: germline.
Comment: This variant, c.1064_1075del, results in the deletion of 4 amino acid(s) of the LSR protein (p.Gly355_Gly358del), but otherwise preserves the integrity of the reading frame. This variant is present in population databases (no rsID available, gnomAD 0.003%). This variant has not been reported in the literature in individuals affected with LSR-related conditions. Experimental studies and prediction algorithms are not available or were not evaluated, and the functional significance of this variant is currently unknown. In summary, the available evidence is currently insufficient to determine the role of this variant in disease. Therefore, it has been classified as a Variant of Uncertain Significance.

NM_205834.4(LSR):c.920_931del (p.303GYPG[1])

Gene: LSR (lipolysis stimulated lipoprotein receptor; plus strand). Cytogenetic location: 19q13.12.
Variant type: Deletion.
Coding change: c.920_931del on transcript NM_205834.4 (MANE Select); coding-DNA positions 920 to 931, 12 bases deleted (GATACCCTGGAG).
Protein change: p.303GYPG[1].
Genome position (GRCh38, 1-based): chr19:35,266,500-35,266,511, GATACCCTGGAG deleted; deleting any 12 consecutive bases within chr19:35,266,490-35,266,511 gives the same sequence; the c. name uses the placement nearest the transcript's 3' end. VCF-style (leftmost placement, unchanged base first): chr19-35266489-GTACCCTGGAGGA-G. GRCh37 (hg19) VCF-style: chr19-35757392-GTACCCTGGAGGA-G.
Other names: c.863_874del, p.284GYPG[1] (NM_001260489.2, NM_015925.7); c.596_607del, p.195GYPG[1] (NM_001260490.2); c.716_727del, p.235GYPG[1] (NM_001385215.1, NM_205835.4).
Identifiers: ClinVar variation 3665006 (VCV003665006.2).